The following is an entry in ClinVar:

NM_172362.3(KCNH1):c.1805G>C (p.Cys602Ser)

Gene: KCNH1 (potassium voltage-gated channel subfamily H member 1; minus strand). Cytogenetic location: 1q32.2.
Variant type: single nucleotide variant.
Coding change: c.1805G>C on transcript NM_172362.3 (MANE Select); coding-DNA position 1805, G replaced by C.
Protein change: p.Cys602Ser; replaces cysteine 602 with serine.
Molecular consequence: missense variant.
Genome position (GRCh38, 1-based): chr1:210,797,618, C>G on the plus strand (G>C on the coding strand, the complement: KCNH1 is on the minus strand). VCF-style: chr1-210797618-C-G. GRCh37 (hg19) VCF-style: chr1-210970960-C-G.
Other names: c.1724G>C, p.Cys575Ser (NM_002238.4); short protein forms C575S, C602S.
Identifiers: ClinVar variation 2633533 (VCV002633533.1), dbSNP rs1387573074, ClinGen allele CA344872574.

ClinVar aggregate classification (germline): Uncertain significance (1 of 4 stars; one submission).

Conditions:
KCNH1-related disorder. Also called: KCNH1-related disorders; KCNH1-related condition.

Allele frequency attached by ClinVar (database versions not stated): TOPMed below 0.00001; gnomAD 0.00001.
gnomAD v4.1: 2 of 1,614,124 alleles (0.00012%); highest among the groups gnomAD compares: Non-Finnish European, 0.00017%; no homozygotes.

Submission:

PreventionGenetics, part of Exact Sciences
Classification: Uncertain significance for KCNH1-related condition. Last evaluated: 2023-03-16. Review status: criteria provided, single submitter. Criteria: ACMG Guidelines, 2015. Collection method: clinical testing. Allele origin: germline.
Comment: The KCNH1 c.1805G>C variant is predicted to result in the amino acid substitution p.Cys602Ser. To our knowledge, this variant has not been reported in the literature or in a large population database, indicating this variant is rare. At this time, the clinical significance of this variant is uncertain due to the absence of conclusive functional and genetic evidence.